The following is an entry in ClinVar:

ClinVar aggregate classification (germline): Uncertain significance (1 of 4 stars; one submission).

Allele frequency attached by ClinVar (database versions not stated): gnomAD 0.00003; ExAC 0.00002; gnomAD exomes 0.00002.
gnomAD v4.1: 30 of 1,210,144 alleles (0.0025%); highest among the groups gnomAD compares: South Asian, 0.03%; no homozygotes.

Submission:

Labcorp Genetics (formerly Invitae), Labcorp
Classification: Uncertain significance. Last evaluated: 2025-03-25. Review status: criteria provided, single submitter. Criteria: Invitae Variant Classification Sherloc (09022015). Collection method: clinical testing. Allele origin: germline.
Comment: This sequence change replaces valine, which is neutral and non-polar, with methionine, which is neutral and non-polar, at codon 168 of the ALAS2 protein (p.Val168Met). This variant is present in population databases (rs773436997, gnomAD 0.04%). This variant has not been reported in the literature in individuals affected with ALAS2-related conditions. ClinVar contains an entry for this variant (Variation ID: 2919195). Invitae Evidence Modeling of protein sequence and biophysical properties (such as structural, functional, and spatial information, amino acid conservation, physicochemical variation, residue mobility, and thermodynamic stability) has been performed for this missense variant. However, the output from this modeling did not meet the statistical confidence thresholds required to predict the impact of this variant on ALAS2 protein function. In summary, the available evidence is currently insufficient to determine the role of this variant in disease. Therefore, it has been classified as a Variant of Uncertain Significance.

NM_000032.5(ALAS2):c.502G>A (p.Val168Met)

Gene: ALAS2 (5'-aminolevulinate synthase 2; minus strand). Cytogenetic location: Xp11.21.
Variant type: single nucleotide variant.
Coding change: c.502G>A on transcript NM_000032.5 (MANE Select); coding-DNA position 502, G replaced by A.
Protein change: p.Val168Met; replaces valine 168 with methionine.
Molecular consequence: missense variant.
Genome position (GRCh38, 1-based): chrX:55,021,188, C>T on the plus strand (G>A on the coding strand, the complement: ALAS2 is on the minus strand). VCF-style: chrX-55021188-C-T. GRCh37 (hg19) VCF-style: chrX-55047621-C-T.
Other names: c.391G>A, p.Val131Met (NM_001037967.4); c.463G>A, p.Val155Met (NM_001037968.4); short protein forms V155M, V131M, V168M.
Identifiers: ClinVar variation 2919195 (VCV002919195.3), dbSNP rs773436997, ClinGen allele CA10428409.